The following is an entry in ClinVar:

NM_000334.4(SCN4A):c.1936G>A (p.Asp646Asn)

Gene: SCN4A (sodium voltage-gated channel alpha subunit 4; minus strand). Cytogenetic location: 17q23.3.
Variant type: single nucleotide variant.
Coding change: c.1936G>A on transcript NM_000334.4 (MANE Select); coding-DNA position 1936, G replaced by A.
Protein change: p.Asp646Asn; replaces aspartic acid 646 with asparagine.
Molecular consequence: missense variant.
Genome position (GRCh38, 1-based): chr17:63,959,348, C>T on the plus strand (G>A on the coding strand, the complement: SCN4A is on the minus strand). VCF-style: chr17-63959348-C-T. GRCh37 (hg19) VCF-style: chr17-62036708-C-T.
Other names: short protein forms D646N.
Identifiers: ClinVar variation 4754123 (VCV004754123.1).
Genomic context (GRCh38, chr17:63,959,348, plus strand): 5'-ACAGTCCCTGTACGTTGGCCAGGCCTAGCTCTACCAGGCTGAGGGTGACGATGATGCTGT[C>T]GAAGATATTCCAACCCTGCTGGAAATACTCGTAGGGGTCCATGGCAATCAGCTTCAGAAC-3'
Protein context (NP_000325.4, residues 636-656): EYFQQGWNIF[Asp646Asn]SIIVTLSLVE

ClinVar aggregate classification (germline): Uncertain significance (1 of 4 stars; one submission).

Conditions:
Hyperkalemic periodic paralysis. Also called: Familial hyperkalemic periodic paralysis; Gamstorp disease. Identifiers: Orphanet 682, MedGen C0238357, MONDO:0008224, OMIM 170500, HP:0007215.

gnomAD v4.1: 5 of 1,613,944 alleles (0.00031%); highest among the groups gnomAD compares: Non-Finnish European, 0.00042%; no homozygotes.

Submission:

Labcorp Genetics (formerly Invitae), Labcorp
Classification: Uncertain significance for Hyperkalemic periodic paralysis. Last evaluated: 2025-04-24. Review status: criteria provided, single submitter. Criteria: Invitae Variant Classification Sherloc (09022015). Collection method: clinical testing. Allele origin: germline.
Comment: This sequence change replaces aspartic acid, which is acidic and polar, with asparagine, which is neutral and polar, at codon 646 of the SCN4A protein (p.Asp646Asn). This variant is not present in population databases (gnomAD no frequency). This variant has not been reported in the literature in individuals affected with SCN4A-related conditions. Invitae Evidence Modeling of protein sequence and biophysical properties (such as structural, functional, and spatial information, amino acid conservation, physicochemical variation, residue mobility, and thermodynamic stability) indicates that this missense variant is expected to disrupt SCN4A protein function with a positive predictive value of 95%. Experimental studies are conflicting or provide insufficient evidence to determine the effect of this variant on SCN4A function (PMID: 24778431). In summary, the available evidence is currently insufficient to determine the role of this variant in disease. Therefore, it has been classified as a Variant of Uncertain Significance.

Literature cited by the submitters: PubMed 24778431.